The following is an entry in ClinVar:

NM_001035.3(RYR2):c.10165A>C (p.Asn3389His)

Gene: RYR2 (ryanodine receptor 2; plus strand). Cytogenetic location: 1q43.
Variant type: single nucleotide variant.
Coding change: c.10165A>C on transcript NM_001035.3 (MANE Select); coding-DNA position 10165, A replaced by C.
Protein change: p.Asn3389His; replaces asparagine 3389 with histidine.
Molecular consequence: missense variant.
Genome position (GRCh38, 1-based): chr1:237,709,502, A>C. VCF-style: chr1-237709502-A-C. GRCh37 (hg19) VCF-style: chr1-237872802-A-C.
Other names: short protein forms N3389H.
Identifiers: ClinVar variation 3664944 (VCV003664944.3).

ClinVar aggregate classification (germline): Uncertain significance. Review status: criteria provided, multiple submitters, no conflicts (2 of 4 stars). 2 submissions from 2 submitters: Uncertain significance (2). Last evaluated 2026-01-16.

Conditions:
Cardiomyopathy (CMYO). Also called: Cardiomyopathies. Identifiers: Orphanet 167848, MedGen C0878544, MONDO:0004994, HP:0001638. Inheritance: Various modes of inheritance.
Catecholaminergic polymorphic ventricular tachycardia 1. Also called: VENTRICULAR TACHYCARDIA, CATECHOLAMINERGIC POLYMORPHIC, 1, WITH OR WITHOUT ATRIAL DYSFUNCTION AND/OR DILATED CARDIOMYOPATHY; VENTRICULAR TACHYCARDIA, STRESS-INDUCED POLYMORPHIC 1; RYR2-Related Catecholaminergic Polymorphic Ventricular Tachycardia. Identifiers: Orphanet 3286, MedGen C1631597, MONDO:0011484, OMIM 604772.

gnomAD v4.1: 2 of 1,611,906 alleles (0.00012%); highest among the groups gnomAD compares: South Asian, 0.0022%; no homozygotes.

Submissions (2):

Labcorp Genetics (formerly Invitae), Labcorp
Classification: Uncertain significance for Catecholaminergic polymorphic ventricular tachycardia 1. Last evaluated: 2026-01-16. Review status: criteria provided, single submitter. Criteria: Invitae Variant Classification Sherloc (09022015). Collection method: clinical testing. Allele origin: germline.
Comment: This sequence change replaces asparagine, which is neutral and polar, with histidine, which is basic and polar, at codon 3389 of the RYR2 protein (p.Asn3389His). This variant is present in population databases (no rsID available, gnomAD 0.003%). This variant has not been reported in the literature in individuals affected with RYR2-related conditions. ClinVar contains an entry for this variant (Variation ID: 3664944). Invitae Evidence Modeling of protein sequence and biophysical properties (such as structural, functional, and spatial information, amino acid conservation, physicochemical variation, residue mobility, and thermodynamic stability) indicates that this missense variant is not expected to disrupt RYR2 protein function with a negative predictive value of 95%. In summary, the available evidence is currently insufficient to determine the role of this variant in disease. Therefore, it has been classified as a Variant of Uncertain Significance.

Color Diagnostics, LLC DBA Color Health
Classification: Uncertain significance for Cardiomyopathy. Last evaluated: 2025-11-24. Review status: criteria provided, single submitter. Criteria: ACMG Guidelines, 2015. Collection method: clinical testing. Allele origin: germline.
Comment: This missense variant replaces asparagine with histidine at codon 3389 of the RYR2 protein. Computational prediction suggests that this variant may not impact protein structure and function. To our knowledge, functional studies have not been reported for this variant. This variant has not been reported in individuals affected with RYR2-related disorders in the literature. This variant has been identified in 2/1611906 chromosomes in the general population by the Genome Aggregation Database (gnomAD). The available evidence is insufficient to determine the role of this variant in disease conclusively. Therefore, this variant is classified as a Variant of Uncertain Significance.